The following is an entry in ClinVar:

ClinVar aggregate classification (germline): Benign/Likely benign. Review status: criteria provided, multiple submitters, no conflicts (2 of 4 stars). 4 submissions from 4 submitters: Benign (2); Likely benign (2). Last evaluated 2026-01-12.

Submissions (4):

Labcorp Genetics (formerly Invitae), Labcorp
Classification: Benign. Last evaluated: 2026-01-12. Review status: criteria provided, single submitter. Criteria: Invitae Variant Classification Sherloc (09022015). Collection method: clinical testing. Allele origin: germline.

CeGaT Center for Human Genetics Tuebingen
Classification: Likely benign. Last evaluated: 2024-02-01. Review status: criteria provided, single submitter. Criteria: CeGaT Center For Human Genetics Tuebingen Variant Classification Criteria Version 2. Collection method: clinical testing. Allele origin: germline. Affected: yes. Observed: 1 variant allele.
Comment: A2ML1: BS2

Women's Health and Genetics/Laboratory Corporation of America, LabCorp
Classification: Benign. Last evaluated: 2019-11-11. Review status: criteria provided, single submitter. Criteria: LabCorp Variant Classification Summary - May 2015. Collection method: clinical testing. Allele origin: germline.
Comment: Variant summary: A2ML1 c.462+16_462+18delGAG alters a nucleotide located close to a canonical splice site and therefore could affect mRNA splicing, leading to a significantly altered protein sequence. 5/5 computational tools predict no significant impact on normal splicing. However, these predictions have yet to be confirmed by functional studies. The variant allele was found at a frequency of 0.0014 in 249488 control chromosomes in the gnomAD database, including 3 homozygotes. The observed variant frequency is more than 300 higher than the estimated maximal expected allele frequency for a pathogenic variant in A2ML1 causing Noonan Syndrome phenotype (4e-06), strongly suggesting that the variant is benign. To our knowledge, no occurrence of c.462+16_462+18delGAG in individuals affected with Noonan Syndrome and no experimental evidence demonstrating its impact on protein function have been reported. No clinical diagnostic laboratories have submitted clinical-significance assessments for this variant to ClinVar after 2014. Based on the evidence outlined above, the variant was classified as benign.

Center for Pediatric Genomic Medicine, Children's Mercy Hospital and Clinics
Classification: Likely benign. Last evaluated: 2017-05-18. Review status: criteria provided, single submitter. Criteria: ACMG Guidelines, 2015. Collection method: clinical testing. Allele origin: germline.

NM_144670.6(A2ML1):c.462+9GGA[2]

Genes: A2ML1 (alpha-2-macroglobulin like 1; plus strand), A2ML1-AS1 (A2ML1 antisense RNA 1; minus strand). Cytogenetic location: 12p13.31.
Variant type: Microsatellite.
Coding change: c.462+9GGA[2] on transcript NM_144670.6 (MANE Select); two copies in a row of the 3-base unit GGA starting at c.462+9.
Molecular consequence: intron variant.
Genome position: GRCh38 VCF-style: chr12-8829787-GGGA-G. GRCh37 (hg19) VCF-style: chr12-8982383-GGGA-G.
Identifiers: ClinVar variation 445738 (VCV000445738.34), dbSNP rs750639846, ClinGen allele CA6435286.
Genomic context (GRCh38, chr12:8,829,787, plus strand): 5'-TGTATTTCCGCATTGTCACCATGGATAGCAACTTCGTTCCAGTGAATGACAAGGTGAGTT[GGGA>G]GGAGGAGAAGGAGTGGCGCAGGGAGAACAGGGAAAAGGATGAGAGATTCTCTAGGGTGGA-3'